The following is an entry in ClinVar:

ClinVar aggregate classification (germline): Uncertain significance (1 of 4 stars; one submission).

Conditions:
Supravalvar aortic stenosis (SVAS). Also called: Supravalvar aortic stenosis, Eisenberg type. Identifiers: Orphanet 3193, MedGen C0003499, MONDO:0008504, OMIM 185500, HP:0004381.

Submission:

Labcorp Genetics (formerly Invitae), Labcorp
Classification: Uncertain significance for Supravalvar aortic stenosis. Last evaluated: 2023-02-28. Review status: criteria provided, single submitter. Criteria: Invitae Variant Classification Sherloc (09022015). Collection method: clinical testing. Allele origin: unknown.
Comment: This variant is a gross deletion of the genomic region encompassing exon(s) 31-32 of the ELN gene. This variant would be expected to be in-frame, preserving the integrity of the reading frame. This variant has not been reported in the literature in individuals affected with ELN-related conditions. Experimental studies and prediction algorithms are not available or were not evaluated, and the functional significance of this variant is currently unknown. In summary, the available evidence is currently insufficient to determine the role of this variant in disease. Therefore, it has been classified as a Variant of Uncertain Significance.

NC_000007.13:g.(?_73480004)_(73480347_?)del

Gene: ELN (elastin; plus strand). Cytogenetic location: 7q11.23.
Variant type: Deletion.
Identifiers: ClinVar variation 3245619 (VCV003245619.1).